The following is an entry in ClinVar:

ClinVar aggregate classification (germline): Uncertain significance. Review status: criteria provided, multiple submitters, no conflicts (2 of 4 stars). 2 submissions from 2 submitters: Uncertain significance (2). Last evaluated 2024-10-15.

Conditions:
Early Myoclonic Encephalopathy. Identifiers: MedGen C0270855.

Allele frequency attached by ClinVar (database versions not stated): gnomAD exomes below 0.00001; ExAC 0.00001; TOPMed 0.00002.
gnomAD v4.1: 8 of 1,613,736 alleles (0.0005%); highest among the groups gnomAD compares: South Asian, 0.0022%; no homozygotes.

Submissions (2):

Labcorp Genetics (formerly Invitae), Labcorp
Classification: Uncertain significance for Early Myoclonic Encephalopathy. Last evaluated: 2024-10-15. Review status: criteria provided, single submitter. Criteria: Invitae Variant Classification Sherloc (09022015). Collection method: clinical testing. Allele origin: germline.
Comment: This sequence change replaces glutamic acid, which is acidic and polar, with lysine, which is basic and polar, at codon 2137 of the JMJD1C protein (p.Glu2137Lys). This variant is present in population databases (rs751191855, gnomAD 0.003%). This variant has not been reported in the literature in individuals affected with JMJD1C-related conditions. ClinVar contains an entry for this variant (Variation ID: 2488200). Invitae Evidence Modeling of protein sequence and biophysical properties (such as structural, functional, and spatial information, amino acid conservation, physicochemical variation, residue mobility, and thermodynamic stability) indicates that this missense variant is not expected to disrupt JMJD1C protein function with a negative predictive value of 80%. In summary, the available evidence is currently insufficient to determine the role of this variant in disease. Therefore, it has been classified as a Variant of Uncertain Significance.

Ambry Genetics
Classification: Uncertain significance. Last evaluated: 2023-02-23. Review status: criteria provided, single submitter. Criteria: Ambry Variant Classification Scheme 2023. Collection method: clinical testing. Allele origin: germline.

NM_032776.3(JMJD1C):c.6409G>A (p.Glu2137Lys)

Gene: JMJD1C (jumonji domain containing 1C; minus strand). Cytogenetic location: 10q21.3.
Variant type: single nucleotide variant.
Coding change: c.6409G>A on transcript NM_032776.3 (MANE Select); coding-DNA position 6409, G replaced by A.
Protein change: p.Glu2137Lys; replaces glutamic acid 2137 with lysine.
Molecular consequence: missense variant. On other transcripts: non-coding transcript variant (1).
Genome position (GRCh38, 1-based): chr10:63,189,329, C>T on the plus strand (G>A on the coding strand, the complement: JMJD1C is on the minus strand). VCF-style: chr10-63189329-C-T. GRCh37 (hg19) VCF-style: chr10-64949089-C-T.
Other names: c.5863G>A, p.Glu1955Lys (NM_001282948.2, NM_001318154.2); c.5545G>A, p.Glu1849Lys (NM_001318153.2); c.6295G>A, p.Glu2099Lys (NM_001322252.2); c.5752G>A, p.Glu1918Lys (NM_001322254.2, NM_001322258.2); short protein forms E1918K, E2137K, E1955K, E2099K, E1849K.
Identifiers: ClinVar variation 2488200 (VCV002488200.5), dbSNP rs751191855, ClinGen allele CA5517875.